The following is an entry in ClinVar:

ClinVar aggregate classification (germline): Uncertain significance. Review status: criteria provided, multiple submitters, no conflicts (2 of 4 stars). 2 submissions from 2 submitters: Uncertain significance (2). Last evaluated 2025-09-01.

Conditions:
Congenital muscular dystrophy due to integrin alpha-7 deficiency. Also called: MYOPATHY, CONGENITAL, DUE TO INTEGRIN ALPHA-7 DEFICIENCY; Congenital muscular dystrophy with integrin alpha-7 deficiency; Muscular dystrophy, congenital, due to ITGA7 deficiency. Identifiers: Orphanet 34520, MedGen C2750786, MONDO:0013177, OMIM 613204.

Allele frequency attached by ClinVar (database versions not stated): gnomAD exomes below 0.00001 and 0.00002; ExAC 0.00001; gnomAD 0.00001; TOPMed 0.00001.

Submissions (2):

Ambry Genetics
Classification: Uncertain significance. Last evaluated: 2025-09-01. Review status: criteria provided, single submitter. Criteria: Ambry Variant Classification Scheme 2023. Collection method: clinical testing. Allele origin: germline.

Labcorp Genetics (formerly Invitae), Labcorp
Classification: Uncertain significance for Congenital muscular dystrophy due to integrin alpha-7 deficiency. Last evaluated: 2023-12-22. Review status: criteria provided, single submitter. Criteria: Invitae Variant Classification Sherloc (09022015). Collection method: clinical testing. Allele origin: germline.
Comment: This sequence change replaces methionine, which is neutral and non-polar, with threonine, which is neutral and polar, at codon 380 of the ITGA7 protein (p.Met380Thr). This variant is present in population databases (rs762078003, gnomAD 0.01%). This variant has not been reported in the literature in individuals affected with ITGA7-related conditions. ClinVar contains an entry for this variant (Variation ID: 841907). Advanced modeling of protein sequence and biophysical properties (such as structural, functional, and spatial information, amino acid conservation, physicochemical variation, residue mobility, and thermodynamic stability) performed at Invitae indicates that this missense variant is not expected to disrupt ITGA7 protein function with a negative predictive value of 80%. In summary, the available evidence is currently insufficient to determine the role of this variant in disease. Therefore, it has been classified as a Variant of Uncertain Significance.

NM_002206.3(ITGA7):c.1139T>C (p.Met380Thr)

Gene: ITGA7 (integrin subunit alpha 7; minus strand). Cytogenetic location: 12q13.2.
Variant type: single nucleotide variant.
Coding change: c.1139T>C on transcript NM_002206.3 (MANE Select); coding-DNA position 1139, T replaced by C.
Protein change: p.Met380Thr; replaces methionine 380 with threonine.
Molecular consequence: missense variant. On other transcripts: 5 prime UTR variant (1).
Genome position (GRCh38, 1-based): chr12:55,698,436, A>G on the plus strand (T>C on the coding strand, the complement: ITGA7 is on the minus strand). VCF-style: chr12-55698436-A-G. GRCh37 (hg19) VCF-style: chr12-56092220-A-G.
Other names: c.1151T>C, p.Met384Thr (NM_001144996.2, NM_001414029.1); c.860T>C, p.Met287Thr (NM_001144997.2); c.812T>C, p.Met271Thr (NM_001367993.1); c.-154T>C (NM_001367994.1); c.1139T>C, p.Met380Thr (NM_001374465.1, NM_001414034.1); c.1271T>C, p.Met424Thr (NM_001410977.1); c.1019T>C, p.Met340Thr (NM_001414032.1); c.956T>C, p.Met319Thr (NM_001414033.1); and 1 more; short protein forms M287T, M380T, M384T, M271T, M424T, M267T, M319T, M340T.
Identifiers: ClinVar variation 841907 (VCV000841907.7), dbSNP rs762078003, ClinGen allele CA6616047.